The following is an entry in ClinVar:

NM_020921.4(NIN):c.3401A>C (p.Gln1134Pro)

Gene: NIN (ninein; minus strand). Cytogenetic location: 14q22.1.
Variant type: single nucleotide variant.
Coding change: c.3401A>C on transcript NM_020921.4 (MANE Select); coding-DNA position 3401, A replaced by C.
Protein change: p.Gln1134Pro; replaces glutamine 1134 with proline.
Molecular consequence: missense variant. On other transcripts: intron variant (1).
Genome position (GRCh38, 1-based): chr14:50,757,629, T>G on the plus strand (A>C on the coding strand, the complement: NIN is on the minus strand). VCF-style: chr14-50757629-T-G. GRCh37 (hg19) VCF-style: chr14-51224347-T-G.
Other names: c.3401A>C (NM_020921.3); c.3401A>C, p.Gln1134Pro (NM_182944.3, NM_182946.2); c.2399+2228A>C (NM_016350.5); short protein forms Q1134P.
Identifiers: ClinVar variation 3613968 (VCV003613968.3).

ClinVar aggregate classification (germline): Uncertain significance. Review status: criteria provided, multiple submitters, no conflicts (2 of 4 stars). 2 submissions from 2 submitters: Uncertain significance (2). Last evaluated 2025-09-30.

gnomAD v4.1: 19 of 1,614,050 alleles (0.0012%); highest among the groups gnomAD compares: Non-Finnish European, 0.0014%; no homozygotes.

Submissions (2):

Labcorp Genetics (formerly Invitae), Labcorp
Classification: Uncertain significance. Last evaluated: 2025-09-30. Review status: criteria provided, single submitter. Criteria: Invitae Variant Classification Sherloc (09022015). Collection method: clinical testing. Allele origin: germline.
Comment: This sequence change replaces glutamine, which is neutral and polar, with proline, which is neutral and non-polar, at codon 1134 of the NIN protein (p.Gln1134Pro). This variant is present in population databases (rs749874600, gnomAD 0.01%). This variant has not been reported in the literature in individuals affected with NIN-related conditions. ClinVar contains an entry for this variant (Variation ID: 3613968). An algorithm developed to predict the effect of missense changes on protein structure and function outputs the following: PolyPhen-2: "Benign". The proline amino acid residue is found in multiple mammalian species, which suggests that this missense change does not adversely affect protein function. In summary, the available evidence is currently insufficient to determine the role of this variant in disease. Therefore, it has been classified as a Variant of Uncertain Significance.

Ambry Genetics
Classification: Uncertain significance. Last evaluated: 2025-08-05. Review status: criteria provided, single submitter. Criteria: Ambry Variant Classification Scheme 2023. Collection method: clinical testing. Allele origin: germline.